The following is an entry in ClinVar:

ClinVar aggregate classification (germline): Uncertain significance (1 of 4 stars; one submission).

Submission:

Laboratory for Molecular Medicine, Mass General Brigham Personalized Medicine
Classification: Uncertain significance. Last evaluated: 2014-03-21. Review status: criteria provided, single submitter. Criteria: LMM Criteria. Collection method: clinical testing. Allele origin: germline. Observed: 1 variant allele.
Comment: The Lys200Glu variant in TNNT2 has not been reported in individuals with cardiom yopathy. Data from large population studies is insufficient to assess the freque ncy of this variant. This variant was predicted to be benign using a computation al tool clinically validated by our laboratory. This tool's benign prediction is estimated to be correct 89% of the time (Jordan 2011). Additional computational prediction tools and conservation analysis do not provide strong support for or against an impact to the protein. In summary, additional information is needed to fully assess the clinical significance of the Lys200Glu variant.

NM_001276345.2(TNNT2):c.628A>G (p.Lys210Glu)

Gene: TNNT2 (troponin T2, cardiac type; minus strand). Cytogenetic location: 1q32.1.
Variant type: single nucleotide variant.
Coding change: c.628A>G on transcript NM_001276345.2 (MANE Select); coding-DNA position 628, A replaced by G.
Protein change: p.Lys210Glu; replaces lysine 210 with glutamic acid.
Molecular consequence: missense variant.
Genome position (GRCh38, 1-based): chr1:201,362,004, T>C on the plus strand (A>G on the coding strand, the complement: TNNT2 is on the minus strand). VCF-style: chr1-201362004-T-C. GRCh37 (hg19) VCF-style: chr1-201331132-T-C.
Other names: c.619A>G, p.Lys207Glu (NM_000364.4); c.598A>G, p.Lys200Glu (NM_001001430.3, NM_001276347.2); c.589A>G, p.Lys197Glu (NM_001001431.3); c.580A>G, p.Lys194Glu (NM_001001432.3); c.499A>G, p.Lys167Glu (NM_001276346.2); short protein forms K200E, K207E, K194E, K210E, K197E, K167E.
Identifiers: ClinVar variation 165540 (VCV000165540.5), dbSNP rs727503511, ClinGen allele CA004840.